The following is an entry in ClinVar:

NM_018192.4(P3H2):c.383T>G (p.Leu128Arg)

Gene: P3H2 (prolyl 3-hydroxylase 2; minus strand). Cytogenetic location: 3q28.
Variant type: single nucleotide variant.
Coding change: c.383T>G on transcript NM_018192.4 (MANE Select); coding-DNA position 383, T replaced by G.
Protein change: p.Leu128Arg; replaces leucine 128 with arginine.
Molecular consequence: missense variant. On other transcripts: intron variant (1).
Genome position (GRCh38, 1-based): chr3:190,120,349, A>C on the plus strand (T>G on the coding strand, the complement: P3H2 is on the minus strand). VCF-style: chr3-190120349-A-C. GRCh37 (hg19) VCF-style: chr3-189838138-A-C.
Other names: c.-64+1854T>G (NM_001134418.2); short protein forms L128R.
Identifiers: ClinVar variation 955448 (VCV000955448.7), dbSNP rs1712502703, ClinGen allele CA355859590.

ClinVar aggregate classification (germline): Uncertain significance. Review status: criteria provided, multiple submitters, no conflicts (2 of 4 stars). 2 submissions from 2 submitters: Uncertain significance (2). Last evaluated 2025-08-01.

Conditions:
Inborn genetic diseases. Identifiers: MedGen C0950123, MeSH D030342.

Submissions (2):

Ambry Genetics
Classification: Uncertain significance for Inborn genetic diseases. Last evaluated: 2025-08-01. Review status: criteria provided, single submitter. Criteria: Ambry Variant Classification Scheme 2023. Collection method: clinical testing. Allele origin: germline.

Labcorp Genetics (formerly Invitae), Labcorp
Classification: Uncertain significance. Last evaluated: 2021-09-28. Review status: criteria provided, single submitter. Criteria: Invitae Variant Classification Sherloc (09022015). Collection method: clinical testing. Allele origin: germline.
Comment: This sequence change replaces leucine with arginine at codon 128 of the P3H2 protein (p.Leu128Arg). The leucine residue is weakly conserved and there is a moderate physicochemical difference between leucine and arginine. This variant is not present in population databases (ExAC no frequency). This variant has not been reported in the literature in individuals affected with P3H2-related conditions. Algorithms developed to predict the effect of missense changes on protein structure and function are either unavailable or do not agree on the potential impact of this missense change (SIFT: "Deleterious"; PolyPhen-2: "Probably Damaging"; Align-GVGD: "Class C0"). In summary, the available evidence is currently insufficient to determine the role of this variant in disease. Therefore, it has been classified as a Variant of Uncertain Significance.